The following is an entry in ClinVar:

ClinVar aggregate classification (germline): Conflicting classifications of pathogenicity. Review status: criteria provided, conflicting classifications (1 of 4 stars). 11 submissions from 11 submitters: Uncertain significance (9); Likely benign (2). Last evaluated 2026-02-02.

Conditions:
Polymerase proofreading-related adenomatous polyposis. Also called: Polymerase proofreading associated polyposis; Polymerase proofreading–associated polyposis (PPAP). Identifiers: Orphanet 447877, MedGen C5202613, MONDO:0018653.
Colorectal cancer, susceptibility to, 12 (CRCS12). Also called: COLORECTAL CANCER, SUSCEPTIBILITY TO, ON CHROMOSOME 12q24. Identifiers: Orphanet 220460, MedGen C3554460, MONDO:0014038, OMIM 615083.
Facial dysmorphism-immunodeficiency-livedo-short stature syndrome. Also called: Facial dysmorphism, immunodeficiency, livedo, and short stature; FILS syndrome. Identifiers: Orphanet 352712, MedGen C3554576, MONDO:0014058, OMIM 615139.
Intrauterine growth retardation, metaphyseal dysplasia, adrenal hypoplasia congenita, genital anomalies, and immunodeficiency. Also called: IMAGEI SYNDROME. Identifiers: MedGen C5193036, MONDO:0032684, OMIM 618336.
Hereditary cancer-predisposing syndrome. Also called: Tumor predisposition; Neoplastic Syndromes, Hereditary; Hereditary Cancer Syndrome; Hereditary neoplastic syndrome. Identifiers: Orphanet 140162, MedGen C0027672, MeSH D009386, MONDO:0015356.

Allele frequency attached by ClinVar (database versions not stated): TOPMed 0.00019; gnomAD 0.00021 and 0.00023; ESP Exome Variant Server 0.00046.
gnomAD v4.1: 450 of 1,614,030 alleles (0.028%); highest among the groups gnomAD compares: Non-Finnish European, 0.036%; no homozygotes.

Submissions (11):

Labcorp Genetics (formerly Invitae), Labcorp
Classification: Likely benign. Last evaluated: 2026-02-02. Review status: criteria provided, single submitter. Criteria: Invitae Variant Classification Sherloc (09022015). Collection method: clinical testing. Allele origin: germline.

GeneDx
Classification: Uncertain significance. Last evaluated: 2025-09-03. Review status: criteria provided, single submitter. Criteria: GeneDx Variant Classification Process June 2021. Collection method: clinical testing. Allele origin: germline. Affected: yes.
Comment: Observed in individuals with a personal and/or family history of colon and other cancers (PMID: 28873162, 29212164, 34326862, 35430768); In silico analysis supports that this missense variant has a deleterious effect on protein structure/function; This variant is associated with the following publications: (PMID: 29212164, 28873162, 26193622, 2212164, 26251183, 34326862, 35430768)

Center for Genomic Medicine, Rigshospitalet, Copenhagen University Hospital
Classification: Uncertain significance. Last evaluated: 2025-03-04. Review status: criteria provided, single submitter. Criteria: ACMG Guidelines, 2015. Collection method: clinical testing. Allele origin: germline.

Ambry Genetics
Classification: Uncertain significance for Hereditary cancer-predisposing syndrome. Last evaluated: 2024-08-23. Review status: criteria provided, single submitter. Criteria: Ambry Variant Classification Scheme 2023. Collection method: clinical testing. Allele origin: germline.
Comment: The p.R231C variant (also known as c.691C>T), located in coding exon 7 of the POLE gene, results from a C to T substitution at nucleotide position 691. The arginine at codon 231 is replaced by cysteine, an amino acid with highly dissimilar properties. This variant has been observed in the literature in multiple individuals from cancer cohorts (Raskin L et al. Oncotarget, 2017 Nov;8:93450-93463; Bhai P et al. Front Genet, 2021 Jul;12:698595; Adamson AW et al. J Ovarian Res, 2023 Jul;16:141). This amino acid position is highly conserved in available vertebrate species. In addition, this alteration is predicted to be deleterious by in silico analysis. Based on the available evidence, the clinical significance of this variant remains unclear.

Fulgent Genetics
Classification: Uncertain significance for Colorectal cancer, susceptibility to, 12; Facial dysmorphism-immunodeficiency-livedo-short stature syndrome; Intrauterine growth retardation, metaphyseal dysplasia, adrenal hypoplasia congenita, genital anomalies, and immunodeficiency. Last evaluated: 2023-12-28. Review status: criteria provided, single submitter. Criteria: ACMG Guidelines, 2015. Collection method: clinical testing. Allele origin: germline.

MGZ Medical Genetics Center
Classification: Uncertain significance for Colorectal cancer, susceptibility to, 12. Last evaluated: 2021-12-20. Review status: criteria provided, single submitter. Criteria: ACMG Guidelines, 2015. Collection method: clinical testing. Allele origin: germline. Affected: yes. Observed: 1 variant allele.
Comment: ACMG criteria applied: PS4_MOD, PM2_SUP, BP4

Sema4
Classification: Likely benign for Hereditary cancer-predisposing syndrome. Last evaluated: 2021-02-13. Review status: criteria provided, single submitter. Criteria: Sema4 Curation Guidelines. Collection method: curation. Allele origin: germline.

Quest Diagnostics Nichols Institute San Juan Capistrano
Classification: Uncertain significance. Last evaluated: 2020-05-22. Review status: criteria provided, single submitter. Criteria: Quest Diagnostics criteria. Collection method: clinical testing. Allele origin: unknown.

Department of Pathology and Laboratory Medicine, Sinai Health System
Classification: Uncertain significance for Polymerase proofreading-related adenomatous polyposis. Last evaluated: 2019-12-27. Review status: criteria provided, single submitter. Criteria: ACMG Guidelines, 2015. Collection method: clinical testing. Allele origin: germline. Affected: yes.

Laboratory for Molecular Medicine, Mass General Brigham Personalized Medicine
Classification: Uncertain significance. Last evaluated: 2018-10-18. Review status: criteria provided, single submitter. Criteria: LMM Criteria. Collection method: clinical testing. Allele origin: germline. Observed: 1 variant allele.
Comment: The p.Arg231Cys variant in POLE has been reported in the literature in two indiv iduals with colorectal cancer (Raskin 2017, Mandelker 2017) and has also been re ported by other clinical laboratories in ClinVar (Variation ID: 240623). This va riant has also been identified in 37/126680 European chromosomes by gnomAD. Computational prediction tools and conservation a nalysis suggest that the p.Arg231Cys variant may impact the protein, though this information is not predictive enough to determine pathogenicity. In summary, th e clinical significance of the p.Arg231Cys variant is uncertain. ACMG/AMP Criter ia applied: PP3, PS4_Supporting.

PreventionGenetics, part of Exact Sciences
Classification: Uncertain significance. Last evaluated: 2017-07-14. Review status: criteria provided, single submitter. Criteria: ACMG Guidelines, 2015. Collection method: clinical testing. Allele origin: germline.

Literature cited by the submitters: PubMed 29212164 (cited by 5 submitters); PubMed 34326862 (cited by Ambry Genetics); PubMed 37460928 (cited by Ambry Genetics); PubMed 28873162 (cited by 3 submitters).

NM_006231.4(POLE):c.691C>T (p.Arg231Cys)

Gene: POLE (DNA polymerase epsilon, catalytic subunit; minus strand). Cytogenetic location: 12q24.33.
Variant type: single nucleotide variant.
Coding change: c.691C>T on transcript NM_006231.4 (MANE Select); coding-DNA position 691, C replaced by T.
Protein change: p.Arg231Cys; replaces arginine 231 with cysteine.
Molecular consequence: missense variant.
Genome position (GRCh38, 1-based): chr12:132,677,607, G>A on the plus strand (C>T on the coding strand, the complement: POLE is on the minus strand). VCF-style: chr12-132677607-G-A. GRCh37 (hg19) VCF-style: chr12-133254193-G-A.
Other names: short protein forms R231C.
Identifiers: ClinVar variation 240623 (VCV000240623.45), dbSNP rs146592584, ClinGen allele CA6894236.
Genomic context (GRCh38, chr12:132,677,607, plus strand): 5'-GTGAGCAGCGACCCAACCCTGCCCCACTCACCACGTGGATCTTCAGGTCAATGGAGAGGC[G>A]GATGTGGTAGGGAACATCGTACTCGCGCATGTCCACAATGTTGTCCAACTGGTCAGCTAT-3'
Protein context (NP_006222.2, residues 221-241): MREYDVPYHI[Arg231Cys]LSIDLKIHVA